The following is an entry in ClinVar:

ClinVar aggregate classification (germline): VUS-mid (1 of 4 stars; one submission).

Conditions:
Shprintzen-Goldberg syndrome (SGS). Also called: SHPRINTZEN-GOLDBERG CRANIOSYNOSTOSIS SYNDROME; CRANIOSYNOSTOSIS WITH ARACHNODACTYLY AND ABDOMINAL HERNIAS; Marfanoid disorder with craniosynostosis type 1; Marfanoid craniosynostosis syndrome; Shprintzen-Goldberg marfanoid syndrome. Identifiers: Orphanet 2462, MedGen C1321551, MONDO:0008426, OMIM 182212.

Submission:

Center for Human Genetics and Genomic Medicine, Uniklinik Rwth Aachen
Classification: VUS-mid for Shprintzen-Goldberg syndrome. Last evaluated: 2026-03-26. Review status: criteria provided, single submitter. Criteria: ACMG Guidelines, 2015. Collection method: clinical testing. Allele origin: de novo. Inheritance: Autosomal dominant inheritance. Affected: yes. Observed: 1 variant allele, 1 heterozygote.
Comment: Pathogenic variants in the SKI gene cause the autosomal dominant inherited Shprintzen-Goldberg syndrome (OMIM# 182212). The syndrome is characterized by variable clinical manifestations, including craniosynostosis, skeletal, neurological, cardiovascular, and connective tissue abnormalities (Greally MT, GeneReviews, 2006, Updated 2020 Apr 9). In the SKI gene, nonsense variants—among other variant types—have already been reported, though their clinical relevance remains unclear. However, the variant detected in this patient is not located within the known mutation cluster in exon 1 of the SKI gene (Schepers Et al., Eur J Hum Genet., 2015). There is evidence from research (GeneMatcher) that variants in other genomic regions may also be clinically relevant; carriers of these variants may exhibit different clinical symptoms than known for Shprintzen-Goldberg syndrome. This variant has not yet been reported in the literature or in the ClinVar database. In the general population (gnomAD v4.1.0), it has not yet been detected (PM2_Supporting); the variant could not be detected in the parents (PS2_Moderate).

Literature cited by the submitters: PubMed 27761171; PubMed 24736733.

NM_003036.4(SKI):c.1120C>T (p.Gln374Ter)

Gene: SKI (SKI proto-oncogene; plus strand). Cytogenetic location: 1p36.32.
Variant type: single nucleotide variant.
Coding change: c.1120C>T on transcript NM_003036.4 (MANE Select); coding-DNA position 1120, C replaced by T.
Protein change: p.Gln374Ter; replaces glutamine 374 with a stop codon.
Molecular consequence: nonsense.
Genome position (GRCh38, 1-based): chr1:2,303,309, C>T. VCF-style: chr1-2303309-C-T. GRCh37 (hg19) VCF-style: chr1-2234748-C-T.
Other names: short protein forms Q374*.
Identifiers: ClinVar variation 4884861 (VCV004884861.1).